The following is an entry in ClinVar:

ClinVar aggregate classification (germline): Uncertain significance (1 of 4 stars; one submission).

Conditions:
Immunodeficiency 39 (IMD39). Identifiers: Orphanet 574918, MedGen C4225358, MONDO:0014597, OMIM 616345.

Submission:

Labcorp Genetics (formerly Invitae), Labcorp
Classification: Uncertain significance for Immunodeficiency 39. Last evaluated: 2023-05-22. Review status: criteria provided, single submitter. Criteria: Invitae Variant Classification Sherloc (09022015). Collection method: clinical testing. Allele origin: germline.
Comment: In summary, the available evidence is currently insufficient to determine the role of this variant in disease. Therefore, it has been classified as a Variant of Uncertain Significance. Advanced modeling of protein sequence and biophysical properties (such as structural, functional, and spatial information, amino acid conservation, physicochemical variation, residue mobility, and thermodynamic stability) performed at Invitae indicates that this missense variant is expected to disrupt IRF7 protein function. ClinVar contains an entry for this variant (Variation ID: 2115368). This variant has not been reported in the literature in individuals affected with IRF7-related conditions. This variant is not present in population databases (gnomAD no frequency). This sequence change replaces serine, which is neutral and polar, with arginine, which is basic and polar, at codon 500 of the IRF7 protein (p.Ser500Arg).

NM_001572.5(IRF7):c.1461C>A (p.Ser487Arg)

Gene: IRF7 (interferon regulatory factor 7; minus strand). Cytogenetic location: 11p15.5.
Variant type: single nucleotide variant.
Coding change: c.1461C>A on transcript NM_001572.5 (MANE Select); coding-DNA position 1461, C replaced by A.
Protein change: p.Ser487Arg; replaces serine 487 with arginine.
Molecular consequence: missense variant.
Genome position (GRCh38, 1-based): chr11:612,696, G>T on the plus strand (C>A on the coding strand, the complement: IRF7 is on the minus strand). VCF-style: chr11-612696-G-T. GRCh37 (hg19) VCF-style: chr11-612696-G-T.
Other names: c.1374C>A, p.Ser458Arg (NM_004029.4); c.1500C>A, p.Ser500Arg (NM_004031.4); short protein forms S458R, S487R, S500R.
Identifiers: ClinVar variation 2115368 (VCV002115368.4), dbSNP rs778977149, ClinGen allele CA378975521.